The following is an entry in ClinVar:

ClinVar aggregate classification (germline): Uncertain significance (1 of 4 stars; one submission).

Allele frequency attached by ClinVar (database versions not stated): gnomAD 0.00001; ExAC 0.00002; TOPMed 0.00002; gnomAD exomes 0.00003.
gnomAD v4.1: 45 of 1,613,478 alleles (0.0028%); highest among the groups gnomAD compares: Non-Finnish European, 0.0036%; no homozygotes.

Submission:

Labcorp Genetics (formerly Invitae), Labcorp
Classification: Uncertain significance. Last evaluated: 2022-03-12. Review status: criteria provided, single submitter. Criteria: Invitae Variant Classification Sherloc (09022015). Collection method: clinical testing. Allele origin: germline.
Comment: This sequence change replaces histidine, which is basic and polar, with tyrosine, which is neutral and polar, at codon 615 of the ATP6V0A4 protein (p.His615Tyr). This variant is present in population databases (rs774903056, gnomAD 0.004%). This variant has not been reported in the literature in individuals affected with ATP6V0A4-related conditions. Algorithms developed to predict the effect of missense changes on protein structure and function are either unavailable or do not agree on the potential impact of this missense change (SIFT: "Tolerated"; PolyPhen-2: "Probably Damaging"; Align-GVGD: "Class C0"). In summary, the available evidence is currently insufficient to determine the role of this variant in disease. Therefore, it has been classified as a Variant of Uncertain Significance.

NM_020632.3(ATP6V0A4):c.1843C>T (p.His615Tyr)

Gene: ATP6V0A4 (ATPase H+ transporting V0 subunit a4; minus strand). Cytogenetic location: 7q34.
Variant type: single nucleotide variant.
Coding change: c.1843C>T on transcript NM_020632.3 (MANE Select); coding-DNA position 1843, C replaced by T.
Protein change: p.His615Tyr; replaces histidine 615 with tyrosine.
Molecular consequence: missense variant.
Genome position (GRCh38, 1-based): chr7:138,732,942, G>A on the plus strand (C>T on the coding strand, the complement: ATP6V0A4 is on the minus strand). VCF-style: chr7-138732942-G-A. GRCh37 (hg19) VCF-style: chr7-138417687-G-A.
Other names: c.1843C>T, p.His615Tyr (NM_130840.3, NM_130841.3); short protein forms H615Y.
Identifiers: ClinVar variation 1929010 (VCV001929010.5), dbSNP rs774903056, ClinGen allele CA4504640.
Genomic context (GRCh38, chr7:138,732,942, plus strand): 5'-GTTTGTAGAGGGGTGCGTTGGAAGAGTCACTGTAGTTAAACAGAAACATGTTGATGAAGT[G>A]GATGAGGATGCTGGGGGCGTGCTGAGATACATGGACGTCAAAGCAGCACCATTTGAAAAT-3'
Protein context (NP_065683.2, residues 605-625): VSQHAPSILI[His615Tyr]FINMFLFNYS